The following is an entry in ClinVar:

NM_001163809.2(WDR81):c.845G>A (p.Gly282Glu)

Gene: WDR81 (WD repeat domain 81; plus strand). Cytogenetic location: 17p13.3.
Variant type: single nucleotide variant.
Coding change: c.845G>A on transcript NM_001163809.2 (MANE Select); coding-DNA position 845, G replaced by A.
Protein change: p.Gly282Glu; replaces glycine 282 with glutamic acid.
Molecular consequence: missense variant. On other transcripts: intron variant (3).
Genome position (GRCh38, 1-based): chr17:1,725,804, G>A. VCF-style: chr17-1725804-G-A. GRCh37 (hg19) VCF-style: chr17-1629098-G-A.
Other names: c.-123-2186G>A (NM_152348.4); c.59-4576G>A (NM_001163673.2); c.-15+1018G>A (NM_001163811.2); short protein forms G282E.
Identifiers: ClinVar variation 183290 (VCV000183290.4), dbSNP rs730882206, ClinGen allele CA186048.
Genomic context (GRCh38, chr17:1,725,804, plus strand): 5'-TCATTCTCTTCCGCGTGCTGAGGGCTATGGACGCCTGTCACCGCCAGGGGCTGGCGTGTG[G>A]GGCCCTGTCTTTGTATCACATCGCAGTGGATGAGAAGCTTTGCAGCGAGCTGCGACTGGA-3'
Protein context (NP_001157281.1, residues 272-292): DACHRQGLAC[Gly282Glu]ALSLYHIAVD

ClinVar aggregate classification (germline): Likely pathogenic. Review status: criteria provided, single submitter (1 of 4 stars). 4 submissions from 2 submitters: Likely pathogenic (1). 3 of the submissions do not count toward it. Last evaluated 2024-03-17.

Conditions:
Hydrocephalus, congenital, 3, with brain anomalies. Also called: HYDROCEPHALUS, NONSYNDROMIC, AUTOSOMAL RECESSIVE 3. Identifiers: MedGen C4747885, MONDO:0054794, OMIM 617967.
Cerebellar ataxia, impaired intellectual development, and dysequilibrium syndrome 2. Also called: Cerebellar ataxia, intellectual disability, and dysequilibrium syndrome 2; CEREBELLAR ATAXIA, MENTAL RETARDATION, AND DYSEQUILIBRIUM SYNDROME 2; CEREBELLAR ATAXIA AND MENTAL RETARDATION WITH OR WITHOUT QUADRUPEDAL LOCOMOTION 2. Identifiers: Orphanet 1766, MedGen C2750234, MONDO:0012430, OMIM 610185.
Severe brain malformation.
Severe cerebellar hypoplasia.
Hydranencephaly. Identifiers: Orphanet 2177, MedGen C0020225, MONDO:0016344, HP:0002324.
Neonatal death. Also called: neonatal demise. Identifiers: MedGen C0410916, HP:0003811.

Submissions (4):

Genomic Medicine Center of Excellence, King Faisal Specialist Hospital and Research Centre
Classification: Likely pathogenic for Cerebellar ataxia, impaired intellectual development, and dysequilibrium syndrome 2. Last evaluated: 2024-03-17. Review status: criteria provided, single submitter. Criteria: ACMG Guidelines, 2015. Collection method: research. Allele origin: germline.

OMIM
Classification: Pathogenic for HYDROCEPHALUS, CONGENITAL, 3, WITH BRAIN ANOMALIES. Last evaluated: 2018-07-10. Review status: no assertion criteria provided. Collection method: literature only. Allele origin: germline. Not counted in ClinVar's aggregate classification.

Genomic Medicine Center of Excellence, King Faisal Specialist Hospital and Research Centre
Classification: Likely pathogenic for Neonatal death; Severe brain malformation; Hydranencephaly; Severe cerebellar hypoplasia. Last evaluated: 2014-12-01. Review status: flagged submission. Criteria: research. Collection method: research. Allele origin: germline. Affected: yes. Not counted in ClinVar's aggregate classification.
ClinVar note: Reason: This record appears to be redundant with a more recent record from the same submitter.
ClinVar note: Notes: SCV000196396 appears to be redundant with SCV000221445.

Genomic Medicine Center of Excellence, King Faisal Specialist Hospital and Research Centre
Classification: Likely pathogenic. Review status: flagged submission. Criteria: ACMG Guidelines, 2015. Collection method: research. Allele origin: germline. Affected: yes. Not counted in ClinVar's aggregate classification.
ClinVar note: Reason: This record appears to be redundant with a more recent record from the same submitter.
ClinVar note: Notes: SCV000221445 appears to be redundant with SCV004804795.

Literature cited by the submitters: PubMed 28556411 (cited by OMIM); PubMed 25558065 (cited by Genomic Medicine Center of Excellence, King Faisal Specialist Hospital and Research Centre).